The following is an entry in ClinVar:

ClinVar aggregate classification (germline): Uncertain significance (1 of 4 stars; one submission).

gnomAD v4.1: 2 of 1,613,958 alleles (0.00012%); highest among the groups gnomAD compares: Non-Finnish European, 0.00017%; no homozygotes.

Submission:

Labcorp Genetics (formerly Invitae), Labcorp
Classification: Uncertain significance. Last evaluated: 2025-11-24. Review status: criteria provided, single submitter. Criteria: Invitae Variant Classification Sherloc (09022015). Collection method: clinical testing. Allele origin: germline.
Comment: This sequence change replaces asparagine, which is neutral and polar, with isoleucine, which is neutral and non-polar, at codon 1796 of the CHD3 protein (p.Asn1796Ile). This variant is not present in population databases (gnomAD no frequency). This variant has not been reported in the literature in individuals affected with CHD3-related conditions. Invitae Evidence Modeling of protein sequence and biophysical properties (such as structural, functional, and spatial information, amino acid conservation, physicochemical variation, residue mobility, and thermodynamic stability) indicates that this missense variant is not expected to disrupt CHD3 protein function with a negative predictive value of 80%. In summary, the available evidence is currently insufficient to determine the role of this variant in disease. Therefore, it has been classified as a Variant of Uncertain Significance.

NM_001005273.3(CHD3):c.5210A>T (p.Asn1737Ile)

Gene: CHD3 (chromodomain helicase DNA binding protein 3; plus strand). Cytogenetic location: 17p13.1.
Variant type: single nucleotide variant.
Coding change: c.5210A>T on transcript NM_001005273.3 (MANE Select); coding-DNA position 5210, A replaced by T.
Protein change: p.Asn1737Ile; replaces asparagine 1737 with isoleucine.
Molecular consequence: missense variant.
Genome position (GRCh38, 1-based): chr17:7,908,459, A>T. VCF-style: chr17-7908459-A-T. GRCh37 (hg19) VCF-style: chr17-7811777-A-T.
Other names: c.5387A>T, p.Asn1796Ile (NM_001005271.3, NM_001437504.1); c.5375A>T, p.Asn1792Ile (NM_001437507.1); c.5273A>T, p.Asn1758Ile (NM_001437508.1); c.5378A>T, p.Asn1793Ile (NM_001437509.1); c.5108A>T, p.Asn1703Ile (NM_005852.4); short protein forms N1793I, N1703I, N1758I, N1796I, N1737I, N1792I.
Identifiers: ClinVar variation 4745177 (VCV004745177.1).